The following is an entry in ClinVar:

NM_001009944.3(PKD1):c.11095_11098del (p.Tyr3699fs)

Genes: PKD1 (polycystin 1, transient receptor potential channel interacting; minus strand), PKD1-AS1 (PKD1 antisense RNA 1; plus strand). Cytogenetic location: 16p13.3.
Variant type: Deletion.
Coding change: c.11095_11098del on transcript NM_001009944.3 (MANE Select); coding-DNA positions 11095 to 11098, 4 bases deleted (TACC; older notation c.11095_11098delTACC).
Protein change: p.Tyr3699fs; shifts the reading frame from tyrosine 3699.
Molecular consequence: frameshift variant.
Genome position (GRCh38, 1-based): chr16:2,093,012-2,093,015, GGTA deleted on the plus strand (TACC on the coding strand, the reverse complement: PKD1 is on the minus strand); deleting any 4 consecutive bases within chr16:2,093,012-2,093,017 gives the same sequence; the c. name uses the placement nearest the transcript's 3' end. VCF-style (leftmost placement, unchanged base first): chr16-2093011-CGGTA-C. GRCh37 (hg19) VCF-style: chr16-2143012-CGGTA-C.
Other names: c.11092_11095del, p.Tyr3698fs (NM_000296.4); short protein forms Y3698fs, Y3699fs.
Identifiers: ClinVar variation 5019146 (VCV005019146.1).
Genomic context (GRCh38, chr16:2,093,011, plus strand): 5'-TACCGCGTGATGGCCAGGAAGGCCCGGCTGTGCAGCTCCTGCTTGATGGCGCTTTGCAGA[CGGTA>C]GGCGTGCCCATGGCATGAGGCATCCCCATAGCTGGCCAGCAGGGTCACCAGCAGAAAAAG-3'

ClinVar aggregate classification (germline): Pathogenic (1 of 4 stars; one submission).

Conditions:
Polycystic kidney disease, adult type (PKD1). Also called: POLYCYSTIC KIDNEY DISEASE 1 WITH OR WITHOUT POLYCYSTIC LIVER DISEASE; POLYCYSTIC KIDNEY DISEASE, ADULT, TYPE I; Polycystic Kidney Disease 1, Autosomal Dominant; Polycystic kidney disease 1; Polycystic kidney disease 1, severe; Polycystic Kidney, Autosomal Dominant. Identifiers: MedGen C3149841, MONDO:0008263, OMIM 173900.

Submission:

Juno Genomics, Hangzhou Juno Genomics, Inc
Classification: Pathogenic for Polycystic kidney disease, adult type. Review status: criteria provided, single submitter. Criteria: ACMG Guidelines, 2015. Collection method: clinical testing. Allele origin: germline. Affected: yes.
Comment: Absent from controls (or at extremely low frequency if recessive) in Genome Aggregation Database.;Null variant in a gene where loss of function (LOF) is a known mechanism of disease.;Patient's phenotype or family history is highly specific for a disease with a single genetic etiology.